The following is an entry in ClinVar:

NM_001394062.1(MACF1):c.757G>C (p.Ala253Pro)

Gene: MACF1 (microtubule actin crosslinking factor 1; plus strand). Cytogenetic location: 1p34.3.
Variant type: single nucleotide variant.
Coding change: c.757G>C on transcript NM_001394062.1 (MANE Select); coding-DNA position 757, G replaced by C.
Protein change: p.Ala253Pro; replaces alanine 253 with proline.
Molecular consequence: missense variant.
Genome position (GRCh38, 1-based): chr1:39,283,250, G>C. VCF-style: chr1-39283250-G-C. GRCh37 (hg19) VCF-style: chr1-39748922-G-C.
Other names: c.772G>C, p.Ala258Pro (NM_012090.5); short protein forms A253P, A258P.
Identifiers: ClinVar variation 4282340 (VCV004282340.1).
Genomic context (GRCh38, chr1:39,283,250, plus strand): 5'-CCCGATCTAGTAGACATGGAGAGGGTGCAAATCCAAAGTAACCGAGAGAATCTGGAACAG[G>C]CTTTTGAAGTGGCAGAAAGACTGGGGGTCACTCGCCTGCTGGATGCAGAAGGTGAGAGGG-3'
Protein context (NP_001380991.1, residues 243-263): IQSNRENLEQ[Ala253Pro]FEVAERLGVT

ClinVar aggregate classification (germline): Uncertain significance (1 of 4 stars; one submission).

Submission:

GeneDx
Classification: Uncertain significance. Last evaluated: 2025-04-19. Review status: criteria provided, single submitter. Criteria: GeneDx Variant Classification Process June 2021. Collection method: clinical testing. Allele origin: germline. Affected: yes.
Comment: Not observed at significant frequency in large population cohorts (gnomAD); In silico analysis supports that this missense variant has a deleterious effect on protein structure/function; Has not been previously published as pathogenic or benign to our knowledge